The following is an entry in ClinVar:

NM_002109.6(HARS1):c.134T>C (p.Leu45Pro)

Gene: HARS1 (histidyl-tRNA synthetase 1; minus strand). Cytogenetic location: 5q31.3.
Variant type: single nucleotide variant.
Coding change: c.134T>C on transcript NM_002109.6 (MANE Select); coding-DNA position 134, T replaced by C.
Protein change: p.Leu45Pro; replaces leucine 45 with proline.
Molecular consequence: missense variant.
Genome position (GRCh38, 1-based): chr5:140,690,901, A>G on the plus strand (T>C on the coding strand, the complement: HARS1 is on the minus strand). VCF-style: chr5-140690901-A-G. GRCh37 (hg19) VCF-style: chr5-140070486-A-G.
Other names: c.134T>C, p.Leu45Pro (NM_001258040.3, NM_001258041.3, NM_001258042.3 and 2 more transcripts); c.47T>C, p.Leu16Pro (NM_001289094.2); short protein forms L16P, L45P.
Identifiers: ClinVar variation 2578279 (VCV002578279.1), dbSNP rs781720431, ClinGen allele CA3444196.

ClinVar aggregate classification (germline): Uncertain significance (1 of 4 stars; one submission).

Allele frequency attached by ClinVar (database versions not stated): gnomAD exomes below 0.00001; ExAC 0.00002.
gnomAD v4.1: 5 of 1,611,362 alleles (0.00031%); highest among the groups gnomAD compares: Non-Finnish European, 0.00042%; no homozygotes.

Submission:

GeneDx
Classification: Uncertain significance. Last evaluated: 2023-03-02. Review status: criteria provided, single submitter. Criteria: GeneDx Variant Classification Process June 2021. Collection method: clinical testing. Allele origin: germline. Affected: yes.
Comment: In silico analysis supports that this missense variant has a deleterious effect on protein structure/function; Has not been previously published as pathogenic or benign to our knowledge